The following is an entry in ClinVar:

NM_001029896.2(WDR45):c.599dup (p.Asn201fs)

Gene: WDR45 (WD repeat domain 45; minus strand). Cytogenetic location: Xp11.23.
Variant type: Duplication.
Coding change: c.599dup on transcript NM_001029896.2 (MANE Select); coding-DNA position 599, one base duplicated (T; older notation c.599dupT).
Protein change: p.Asn201fs; shifts the reading frame from asparagine 201.
Molecular consequence: frameshift variant.
Genome position (GRCh38, 1-based): chrX:49,075,671, A duplicated on the plus strand (T on the coding strand, the reverse complement: WDR45 is on the minus strand). VCF-style (leftmost placement, unchanged base first): chrX-49075670-T-TA. GRCh37 (hg19) VCF-style: chrX-48933329-T-TA.
Other names: c.602dup, p.Asn202fs (NM_007075.4); c.602dupT (NM_007075.3); short protein forms N201fs, N202fs.
Identifiers: ClinVar variation 503923 (VCV000503923.3), dbSNP rs1557084066, ClinGen allele CA658799735.

ClinVar aggregate classification (germline): Pathogenic. Review status: criteria provided, multiple submitters, no conflicts (2 of 4 stars). 2 submissions from 2 submitters: Pathogenic (2). Last evaluated 2022-05-04.

Conditions:
Neurodegeneration with brain iron accumulation 5 (NBIA5). Also called: Beta-propeller protein-associated neurodegeneration; STATIC ENCEPHALOPATHY OF CHILDHOOD WITH NEURODEGENERATION IN ADULTHOOD. Identifiers: Orphanet 329284, MedGen C3550973, MONDO:0010476, OMIM 300894.

Submissions (2):

Mendelics
Classification: Pathogenic for Neurodegeneration with brain iron accumulation 5. Last evaluated: 2022-05-04. Review status: criteria provided, single submitter. Criteria: Mendelics Assertion Criteria 2019. Collection method: clinical testing. Allele origin: germline.

GeneDx
Classification: Pathogenic. Last evaluated: 2017-12-06. Review status: criteria provided, single submitter. Criteria: GeneDx Variant Classification (06012015). Collection method: clinical testing. Allele origin: germline. Affected: yes.
Comment: The c.602dupT variant in the WDR45 gene has not been reported previously as a pathogenic variant nor as a benign variant, to our knowledge. The c.602dupT variant causes a frameshift starting with codon Asparagine 202, changes this amino acid to a Lysine residue, and creates a premature Stop codon at position 21 of the new reading frame, denoted p.Asn202LysfsX21. This variant is predicted to cause loss of normal protein function either through protein truncation or nonsense-mediated mRNA decay. The c.602dupT variant is not observed in large population cohorts (Lek et al., 2016).